The following is an entry in ClinVar:

ClinVar aggregate classification (germline): Uncertain significance (1 of 4 stars; one submission).

Conditions:
Nemaline myopathy 10 (NEM10). Identifiers: MedGen C4015360, MONDO:0014513, OMIM 616165.

Submission:

Labcorp Genetics (formerly Invitae), Labcorp
Classification: Uncertain significance for Nemaline myopathy 10. Last evaluated: 2021-06-17. Review status: criteria provided, single submitter. Criteria: Invitae Variant Classification Sherloc (09022015). Collection method: clinical testing. Allele origin: germline.
Comment: In summary, the available evidence is currently insufficient to determine the role of this variant in disease. Therefore, it has been classified as a Variant of Uncertain Significance. Algorithms developed to predict the effect of missense changes on protein structure and function output the following: SIFT: "Tolerated"; PolyPhen-2: "Benign"; Align-GVGD: "Class C0". The serine amino acid residue is found in multiple mammalian species, suggesting that this missense change does not adversely affect protein function. These predictions have not been confirmed by published functional studies and their clinical significance is uncertain. This variant has not been reported in the literature in individuals with LMOD3-related conditions. This variant is not present in population databases (ExAC no frequency). This sequence change replaces alanine with serine at codon 129 of the LMOD3 protein (p.Ala129Ser). The alanine residue is moderately conserved and there is a moderate physicochemical difference between alanine and serine.

NM_198271.5(LMOD3):c.385G>T (p.Ala129Ser)

Gene: LMOD3 (leiomodin 3; minus strand). Cytogenetic location: 3p14.1.
Variant type: single nucleotide variant.
Coding change: c.385G>T on transcript NM_198271.5 (MANE Select); coding-DNA position 385, G replaced by T.
Protein change: p.Ala129Ser; replaces alanine 129 with serine.
Molecular consequence: missense variant.
Genome position (GRCh38, 1-based): chr3:69,119,970, C>A on the plus strand (G>T on the coding strand, the complement: LMOD3 is on the minus strand). VCF-style: chr3-69119970-C-A. GRCh37 (hg19) VCF-style: chr3-69169121-C-A.
Other names: c.385G>T, p.Ala129Ser (NM_001304418.3); short protein forms A129S.
Identifiers: ClinVar variation 1415675 (VCV001415675.8), dbSNP rs1392468825, ClinGen allele CA353477030.